The following is an entry in ClinVar:

ClinVar aggregate classification (germline): Uncertain significance (1 of 4 stars; one submission).

Submission:

CeGaT Center for Human Genetics Tuebingen
Classification: Uncertain significance. Last evaluated: 2026-08-01. Review status: criteria provided, single submitter. Criteria: CeGaT Center For Human Genetics Tuebingen Variant Classification Criteria Version 2. Collection method: clinical testing. Allele origin: germline. Affected: yes. Observed: 1 variant allele.
Comment: MN1: PM2, PP2

NM_002430.3(MN1):c.2662C>A (p.Pro888Thr)

Gene: MN1 (MN1 proto-oncogene, transcriptional regulator; minus strand). Cytogenetic location: 22q12.1.
Variant type: single nucleotide variant.
Coding change: c.2662C>A on transcript NM_002430.3 (MANE Select); coding-DNA position 2662, C replaced by A.
Protein change: p.Pro888Thr; replaces proline 888 with threonine.
Molecular consequence: missense variant.
Genome position (GRCh38, 1-based): chr22:27,797,882, G>T on the plus strand (C>A on the coding strand, the complement: MN1 is on the minus strand). VCF-style: chr22-27797882-G-T. GRCh37 (hg19) VCF-style: chr22-28193870-G-T.
Other names: short protein forms P888T.
Identifiers: ClinVar variation 5039016 (VCV005039016.1).
Genomic context (GRCh38, chr22:27,797,882, plus strand): 5'-TGGGCGGCCCCGAGGCTTTGGAGCCGCTGCTACTGGTCCCGGACGGGCCTCCGGGTCCTG[G>T]GGCCCCAGGAGCAGTCCCTCCTGGGAAGTAATCCGAGCCCGGGTTGCCGGCCACTGCCGC-3'
Protein context (NP_002421.3, residues 878-898): YFPGGTAPGA[Pro888Thr]GPGGPSGTSS